The following is an entry in ClinVar:

ClinVar aggregate classification (germline): Uncertain significance (1 of 4 stars; one submission).

gnomAD v4.1: 17 of 1,611,274 alleles (0.0011%); highest among the groups gnomAD compares: Admixed American, 0.018%; no homozygotes.

Submission:

Labcorp Genetics (formerly Invitae), Labcorp
Classification: Uncertain significance. Last evaluated: 2025-12-16. Review status: criteria provided, single submitter. Criteria: Invitae Variant Classification Sherloc (09022015). Collection method: clinical testing. Allele origin: germline.
Comment: This sequence change replaces proline, which is neutral and non-polar, with leucine, which is neutral and non-polar, at codon 10 of the PAX5 protein (p.Pro10Leu). This variant is present in population databases (no rsID available, gnomAD 0.01%). This variant has not been reported in the literature in individuals affected with PAX5-related conditions. ClinVar contains an entry for this variant (Variation ID: 3710645). An algorithm developed to predict the effect of missense changes on protein structure and function (PolyPhen-2) suggests that this variant is likely to be tolerated. In summary, the available evidence is currently insufficient to determine the role of this variant in disease. Therefore, it has been classified as a Variant of Uncertain Significance.

NM_016734.3(PAX5):c.29C>T (p.Pro10Leu)

Gene: PAX5 (paired box 5; minus strand). Cytogenetic location: 9p13.2.
Variant type: single nucleotide variant.
Coding change: c.29C>T on transcript NM_016734.3 (MANE Select); coding-DNA position 29, C replaced by T.
Protein change: p.Pro10Leu; replaces proline 10 with leucine.
Molecular consequence: missense variant. On other transcripts: 5 prime UTR variant (2), non-coding transcript variant (2).
Genome position (GRCh38, 1-based): chr9:37,034,003, G>A on the plus strand (C>T on the coding strand, the complement: PAX5 is on the minus strand). VCF-style: chr9-37034003-G-A. GRCh37 (hg19) VCF-style: chr9-37034000-G-A.
Other names: c.29C>T, p.Pro10Leu (NM_001280547.2, NM_001280548.2, NM_001280549.2 and 5 more transcripts); c.-130C>T (NM_001280551.2, NM_001280556.2); short protein forms P10L.
Identifiers: ClinVar variation 3710645 (VCV003710645.2).